The following is an entry in ClinVar:

ClinVar aggregate classification (germline): Uncertain significance (1 of 4 stars; one submission).

Submission:

Dasa
Classification: Uncertain significance. Last evaluated: 2024-07-03. Review status: criteria provided, single submitter. Criteria: DASA Assertion Criteria. Collection method: clinical testing. Allele origin: germline.
Comment: NM_001999.4(FBN2):c.4055G>T (p.Cys1352Phe) is a missense variant that results in the substitution of cysteine with phenylalanine. The affected residue or protein region has prior evidence supporting clinical relevance. This variant is rare in population databases. Computational prediction algorithms are consistent with a deleterious effect. The currently available literature and clinical evidence are not sufficient to establish a definitive association between this variant and the reported condition. Therefore, this variant is classified as a variant of uncertain significance.

NM_001999.4(FBN2):c.4055G>T (p.Cys1352Phe)

Gene: FBN2 (fibrillin 2; minus strand). Cytogenetic location: 5q23.3.
Variant type: single nucleotide variant.
Coding change: c.4055G>T on transcript NM_001999.4 (MANE Select); coding-DNA position 4055, G replaced by T.
Protein change: p.Cys1352Phe; replaces cysteine 1352 with phenylalanine.
Molecular consequence: missense variant.
Genome position (GRCh38, 1-based): chr5:128,334,763, C>A on the plus strand (G>T on the coding strand, the complement: FBN2 is on the minus strand). VCF-style: chr5-128334763-C-A. GRCh37 (hg19) VCF-style: chr5-127670455-C-A.
Other names: short protein forms C1352F.
Identifiers: ClinVar variation 4881043 (VCV004881043.2).